The following is an entry in ClinVar:

NM_152743.4(BRAT1):c.1351G>C (p.Ala451Pro)

Gene: BRAT1 (BRCA1 associated ATM activator 1; minus strand). Cytogenetic location: 7p22.3.
Variant type: single nucleotide variant.
Coding change: c.1351G>C on transcript NM_152743.4 (MANE Select); coding-DNA position 1351, G replaced by C.
Protein change: p.Ala451Pro; replaces alanine 451 with proline.
Molecular consequence: missense variant. On other transcripts: non-coding transcript variant (1).
Genome position (GRCh38, 1-based): chr7:2,541,023, C>G on the plus strand (G>C on the coding strand, the complement: BRAT1 is on the minus strand). VCF-style: chr7-2541023-C-G. GRCh37 (hg19) VCF-style: chr7-2580657-C-G.
Other names: c.1351G>C, p.Ala451Pro (NM_001350626.2); c.826G>C, p.Ala276Pro (NM_001350627.2); short protein forms A276P, A451P.
Identifiers: ClinVar variation 940143 (VCV000940143.1), dbSNP rs138276986, ClinGen allele CA366628738.

ClinVar aggregate classification (germline): Uncertain significance (1 of 4 stars; one submission).

Conditions:
Neonatal-onset encephalopathy with rigidity and seizures. Also called: Lethal neonatal spasticity-epileptic encephalopathy syndrome. Identifiers: Orphanet 435845, MedGen C3281029, MONDO:0013784, OMIM 614498.

Submission:

Labcorp Genetics (formerly Invitae), Labcorp
Classification: Uncertain significance for Rigidity and multifocal seizure syndrome, lethal neonatal. Last evaluated: 2019-09-23. Review status: criteria provided, single submitter. Criteria: Invitae Variant Classification Sherloc (09022015). Collection method: clinical testing. Allele origin: germline.
Comment: This sequence change replaces alanine with proline at codon 451 of the BRAT1 protein (p.Ala451Pro). The alanine residue is moderately conserved and there is a small physicochemical difference between alanine and proline. This variant is not present in population databases (ExAC no frequency). This variant has not been reported in the literature in individuals with BRAT1-related conditions. Algorithms developed to predict the effect of missense changes on protein structure and function (SIFT, PolyPhen-2, Align-GVGD) all suggest that this variant is likely to be tolerated, but these predictions have not been confirmed by published functional studies and their clinical significance is uncertain. In summary, the available evidence is currently insufficient to determine the role of this variant in disease. Therefore, it has been classified as a Variant of Uncertain Significance.